The following is an entry in ClinVar:

NM_000368.5(TSC1):c.54G>C (p.Met18Ile)

Gene: TSC1 (TSC complex subunit 1; minus strand). Cytogenetic location: 9q34.13.
Variant type: single nucleotide variant.
Coding change: c.54G>C on transcript NM_000368.5 (MANE Select); coding-DNA position 54, G replaced by C.
Protein change: p.Met18Ile; replaces methionine 18 with isoleucine.
Molecular consequence: missense variant. On other transcripts: 5 prime UTR variant (1).
Genome position (GRCh38, 1-based): chr9:132,928,819, C>G on the plus strand (G>C on the coding strand, the complement: TSC1 is on the minus strand). VCF-style: chr9-132928819-C-G. GRCh37 (hg19) VCF-style: chr9-135804206-C-G.
Other names: c.54G>C, p.Met18Ile (NM_001162426.2, NM_001162427.2); c.-206G>C (NM_001362177.2); short protein forms M18I.
Identifiers: ClinVar variation 411236 (VCV000411236.25), dbSNP rs940292214, ClinGen allele CA16612657.

ClinVar aggregate classification (germline): Conflicting classifications of pathogenicity. Review status: criteria provided, conflicting classifications (1 of 4 stars). 5 submissions from 5 submitters: Uncertain significance (2); Benign (1); Likely benign (2). Last evaluated 2026-02-02.

Conditions:
Hereditary cancer-predisposing syndrome. Also called: Hereditary neoplastic syndrome; Neoplastic Syndromes, Hereditary; Tumor predisposition; Hereditary Cancer Syndrome. Identifiers: Orphanet 140162, MedGen C0027672, MeSH D009386, MONDO:0015356.
Tuberous sclerosis syndrome (TSC). Also called: Tuberous Sclerosis Complex; Tuberous sclerosis. Identifiers: Orphanet 805, MedGen C0041341, MONDO:0001734.
Tuberous sclerosis 1 (TSC1). Identifiers: Orphanet 805, MedGen C1854465, MONDO:0008612, OMIM 191100.

Allele frequency attached by ClinVar (database versions not stated): gnomAD exomes below 0.00001; TOPMed below 0.00001.

Submissions (5):

Labcorp Genetics (formerly Invitae), Labcorp
Classification: Benign for Tuberous sclerosis 1. Last evaluated: 2026-02-02. Review status: criteria provided, single submitter. Criteria: Invitae Variant Classification Sherloc (09022015). Collection method: clinical testing. Allele origin: germline.

Ambry Genetics
Classification: Likely benign for Hereditary cancer-predisposing syndrome. Last evaluated: 2024-04-24. Review status: criteria provided, single submitter. Criteria: Ambry Variant Classification Scheme 2023. Collection method: clinical testing. Allele origin: germline.

All of Us Research Program, National Institutes of Health
Classification: Uncertain significance for Tuberous sclerosis syndrome. Last evaluated: 2023-10-02. Review status: criteria provided, single submitter. Criteria: ACMG Guidelines, 2015. Collection method: clinical testing. Allele origin: germline. Inheritance: Autosomal dominant inheritance. Observed: 3 variant alleles, 3 heterozygotes.
Comment: This missense variant replaces methionine with isoleucine at codon 18 of the TSC1 protein. Computational prediction suggests that this variant may not impact protein structure and function (internally defined REVEL score threshold <= 0.5, PMID: 27666373). To our knowledge, functional studies have not been reported for this variant. This variant has not been reported in individuals affected with TSC1-related disorders in the literature. This variant has not been identified in the general population by the Genome Aggregation Database (gnomAD). The available evidence is insufficient to determine the role of this variant in disease conclusively. Therefore, this variant is classified as a Variant of Uncertain Significance.

This study involves interpretation of variants in research participants for the purpose of population health screening. Participant phenotype was not available at the time of variant classification. Additional details can be found in publication PMID: 35346344, PMCID: PMC8962531

Genome-Nilou Lab
Classification: Likely benign for Tuberous sclerosis 1. Last evaluated: 2021-11-07. Review status: criteria provided, single submitter. Criteria: ACMG Guidelines, 2015. Collection method: clinical testing. Allele origin: germline. Affected: no.

ARUP Laboratories, Molecular Genetics and Genomics, ARUP Laboratories
Classification: Uncertain significance. Last evaluated: 2017-12-18. Review status: criteria provided, single submitter. Criteria: ARUP Molecular Germline Variant Investigation Process. Collection method: clinical testing. Allele origin: germline.